The following is an entry in ClinVar:

NM_001399.4(EDA):c.(?_-115)_(174_?)del

Gene: EDA (ectodysplasin A; plus strand). Cytogenetic location: Xq13.1.
Variant type: Deletion.
Coding change: c.(?_-115)_(174_?)del on transcript NM_001399.4; a large deletion whose breakpoints are not mapped to the base.
Identifiers: ClinVar variation 180114 (VCV000180114.4).

ClinVar aggregate classification (germline): Pathogenic (1 of 4 stars; one submission).

Conditions:
Hypohidrotic X-linked ectodermal dysplasia (XHED). Also called: ECTODERMAL DYSPLASIA, HYPOHIDROTIC, 1; CST SYNDROME; ECTODERMAL DYSPLASIA 1; Ectodermal Dysplasia 1, Anhidrotic; Anhidrotic ectodermal dysplasia X-linked; Christ Siemens Touraine syndrome. Identifiers: Orphanet 181, Orphanet 238468, MedGen C0162359, MONDO:0010585, OMIM 305100.

Submission:

Laboratory for Molecular Medicine, Mass General Brigham Personalized Medicine
Classification: Pathogenic for Hypohidrotic X-linked ectodermal dysplasia. Last evaluated: 2014-11-17. Review status: criteria provided, single submitter. Criteria: LMM Criteria. Collection method: clinical testing. Allele origin: germline. Inheritance: X-linked inheritance. Observed: 5 variant alleles.
Comment: The deletion of exon 1 has been reported in the literature and in our laboratory in >9 individuals (males & females) with X-linked hypohidrotic ectodermal dyspl asia, (XLHED; Kere 1996, Paakkonen 2001, Lexner 2008, van der Hout 2008, Cluzeau 2011, Aradhya 2012, LMM unpublished data). Two of these individuals had multipl e exon deletions that encompassed exon 1. This variant also segregated with dise ase in 2 affected relatives from 2 families (Kere 1996, Lexner 2008). This deletion is ex pected to lead to a truncated or absent protein. In summary, this variant meets our criteria to be classified as pathogenic for HED in an X-linked manner.

Literature cited by the submitters: PubMed 8696334; PubMed 9683615; PubMed 11295832; PubMed 22382802; PubMed 21357618; PubMed 23553579; PubMed 9736768; PubMed 18231121; PubMed 18510547; PubMed 20979233; PubMed 11378824; PubMed 18427821; PubMed 20374512; PubMed 22875504; PubMed 23293949.